The following is an entry in ClinVar:

NM_005141.5(FGB):c.595C>T (p.Arg199Cys)

Gene: FGB (fibrinogen beta chain; plus strand). Cytogenetic location: 4q31.3.
Variant type: single nucleotide variant.
Coding change: c.595C>T on transcript NM_005141.5 (MANE Select); coding-DNA position 595, C replaced by T.
Protein change: p.Arg199Cys; replaces arginine 199 with cysteine.
Molecular consequence: missense variant.
Genome position (GRCh38, 1-based): chr4:154,567,697, C>T. VCF-style: chr4-154567697-C-T. GRCh37 (hg19) VCF-style: chr4-155488849-C-T.
Other names: c.418C>T, p.Arg140Cys (NM_001184741.1); c.463C>T, p.Arg155Cys (NM_001382759.1); c.595C>T, p.Arg199Cys (NM_001382760.1, NM_001382761.1, NM_001382762.1 and 3 more transcripts); short protein forms R140C, R155C, R199C.
Identifiers: ClinVar variation 2497909 (VCV002497909.2), dbSNP rs747314723, ClinGen allele CA3114576.

ClinVar aggregate classification (germline): Uncertain significance. Review status: criteria provided, multiple submitters, no conflicts (2 of 4 stars). 2 submissions from 2 submitters: Uncertain significance (2). Last evaluated 2022-10-08.

Conditions:
FGB-related disorder. Also called: FGB-related condition.

Allele frequency attached by ClinVar (database versions not stated): gnomAD exomes below 0.00001; ExAC 0.00001.
gnomAD v4.1: 5 of 1,613,528 alleles (0.00031%); highest among the groups gnomAD compares: South Asian, 0.0011%; no homozygotes.

Submissions (2):

GeneDx
Classification: Uncertain significance. Last evaluated: 2022-10-08. Review status: criteria provided, single submitter. Criteria: GeneDx Variant Classification Process June 2021. Collection method: clinical testing. Allele origin: germline. Affected: yes.
Comment: Not observed at significant frequency in large population cohorts (gnomAD); In silico analysis supports that this missense variant has a deleterious effect on protein structure/function; Has not been previously published as pathogenic or benign to our knowledge

PreventionGenetics, part of Exact Sciences
Classification: Uncertain significance for FGB-related condition. Last evaluated: 2022-09-15. Review status: criteria provided, single submitter. Criteria: ACMG Guidelines, 2015. Collection method: clinical testing. Allele origin: germline.
Comment: The FGB c.595C>T variant is predicted to result in the amino acid substitution p.Arg199Cys. To our knowledge, this variant has not been reported in patient(s) with FGB related diseases. This variant is reported in 0.0033% of alleles in individuals of South Asian descent in gnomAD. At this time, the clinical significance of this variant is uncertain due to the absence of conclusive functional and genetic evidence.